The following is an entry in ClinVar:

NM_005219.5(DIAPH1):c.259G>A (p.Val87Ile)

Gene: DIAPH1 (diaphanous related formin 1; minus strand). Cytogenetic location: 5q31.3.
Variant type: single nucleotide variant.
Coding change: c.259G>A on transcript NM_005219.5 (MANE Select); coding-DNA position 259, G replaced by A.
Protein change: p.Val87Ile; replaces valine 87 with isoleucine.
Molecular consequence: missense variant.
Genome position (GRCh38, 1-based): chr5:141,587,083, C>T on the plus strand (G>A on the coding strand, the complement: DIAPH1 is on the minus strand). VCF-style: chr5-141587083-C-T. GRCh37 (hg19) VCF-style: chr5-140966650-C-T.
Other names: c.232G>A, p.Val78Ile (NM_001079812.3); c.259G>A, p.Val87Ile (NM_001314007.2); short protein forms V87I, V78I.
Identifiers: ClinVar variation 569503 (VCV000569503.12), dbSNP rs368889655, ClinGen allele CA3479653.

ClinVar aggregate classification (germline): Conflicting classifications of pathogenicity. Review status: criteria provided, conflicting classifications (1 of 4 stars). 3 submissions from 3 submitters: Uncertain significance (2); Likely benign (1). Last evaluated 2025-10-01.

Conditions:
Autosomal dominant nonsyndromic hearing loss 1. Also called: DEAFNESS, AUTOSOMAL DOMINANT 1, WITH OR WITHOUT THROMBOCYTOPENIA; KONIGSMARK SYNDROME. Identifiers: Orphanet 90635, MedGen C1852282, MONDO:0007424, OMIM 124900.
Progressive microcephaly-seizures-cortical blindness-developmental delay syndrome. Also called: Seizures, cortical blindness, and microcephaly syndrome. Identifiers: Orphanet 477814, MedGen C5567650, MONDO:0014714, OMIM 616632.

Allele frequency attached by ClinVar (database versions not stated): ExAC 0.00001; gnomAD exomes 0.00001; ESP Exome Variant Server 0.00008; gnomAD 0.00009 and 0.00011; TOPMed 0.00009.
gnomAD v4.1: 24 of 1,614,040 alleles (0.0015%); highest among the groups gnomAD compares: African/African-American, 0.028%; no homozygotes.

Submissions (3):

Labcorp Genetics (formerly Invitae), Labcorp
Classification: Uncertain significance for Progressive microcephaly-seizures-cortical blindness-developmental delay syndrome; Autosomal dominant nonsyndromic hearing loss 1. Last evaluated: 2025-10-01. Review status: criteria provided, single submitter. Criteria: Invitae Variant Classification Sherloc (09022015). Collection method: clinical testing. Allele origin: germline.
Comment: This sequence change replaces valine, which is neutral and non-polar, with isoleucine, which is neutral and non-polar, at codon 87 of the DIAPH1 protein (p.Val87Ile). This variant is present in population databases (rs368889655, gnomAD 0.02%). This variant has not been reported in the literature in individuals affected with DIAPH1-related conditions. ClinVar contains an entry for this variant (Variation ID: 569503). An algorithm developed to predict the effect of missense changes on protein structure and function outputs the following: PolyPhen-2: "Not Available". The isoleucine amino acid residue is found in multiple mammalian species, which suggests that this missense change does not adversely affect protein function. In summary, the available evidence is currently insufficient to determine the role of this variant in disease. Therefore, it has been classified as a Variant of Uncertain Significance.

GeneDx
Classification: Uncertain significance. Last evaluated: 2023-06-12. Review status: criteria provided, single submitter. Criteria: GeneDx Variant Classification Process June 2021. Collection method: clinical testing. Allele origin: germline. Affected: yes.
Comment: In silico analysis, which includes protein predictors and evolutionary conservation, supports that this variant does not alter protein structure/function; Has not been previously published as pathogenic or benign to our knowledge

Blueprint Genetics
Classification: Likely benign. Last evaluated: 2023-01-27. Review status: criteria provided, single submitter. Criteria: ACMG Guidelines, 2015. Collection method: clinical testing. Allele origin: germline.